The following is an entry in ClinVar:

NM_002645.4(PIK3C2A):c.1849-23TG[8]

Gene: PIK3C2A (phosphatidylinositol-4-phosphate 3-kinase catalytic subunit type 2 alpha; minus strand). Cytogenetic location: 11p15.1.
Variant type: Microsatellite.
Coding change: c.1849-23TG[8] on transcript NM_002645.4 (MANE Select); eight copies in a row of the 2-base unit TG starting at c.1849-23; the reference has seven copies in a row; one copy, 2 bases duplicated.
Molecular consequence: intron variant.
Genome position (GRCh38, 1-based): chr11:17,135,169-17,135,170, CA duplicated on the plus strand (TG on the coding strand, the reverse complement: PIK3C2A is on the minus strand); duplicating any 2 consecutive bases within chr11:17,135,169-17,135,182 gives the same sequence; the position shown is the placement nearest the transcript's 3' end. VCF-style (leftmost placement, unchanged base first): chr11-17135168-G-GCA. GRCh37 (hg19) VCF-style: chr11-17156715-G-GCA.
Other names: c.709-23TG[8] (NM_001321380.2); c.1849-23TG[8] (NM_001386870.1, NM_001321378.2); c.1849-11_1849-10dupTG (NM_001321378.1).
Identifiers: ClinVar variation 2772097 (VCV002772097.6), dbSNP rs147716822, ClinGen allele CA5901240.

ClinVar aggregate classification (germline): Likely benign. Review status: criteria provided, multiple submitters, no conflicts (2 of 4 stars). 3 submissions from 3 submitters: Likely benign (2). 1 of the submissions does not count toward it. Last evaluated 2024-07-08.

Conditions:
PIK3C2A-related disorder. Also called: PIK3C2A-related condition.

Submissions (3):

Blueprint Genetics
Classification: Likely benign. Last evaluated: 2024-07-08. Review status: criteria provided, single submitter. Criteria: ACMG Guidelines, 2015. Collection method: clinical testing. Allele origin: germline.

Labcorp Genetics (formerly Invitae), Labcorp
Classification: Likely benign. Last evaluated: 2024-01-19. Review status: criteria provided, single submitter. Criteria: Invitae Variant Classification Sherloc (09022015). Collection method: clinical testing. Allele origin: germline.

PreventionGenetics, part of Exact Sciences
Classification: Likely benign for PIK3C2A-related condition. Last evaluated: 2019-12-23. Review status: no assertion criteria provided. Collection method: clinical testing. Allele origin: germline. Not counted in ClinVar's aggregate classification.
Comment: This variant is classified as likely benign based on ACMG/AMP sequence variant interpretation guidelines (Richards et al. 2015 PMID: 25741868, with internal and published modifications).